The following is an entry in ClinVar:

NM_001112726.3(CEP170B):c.4428C>T (p.Ala1476=)

Gene: CEP170B (centrosomal protein 170B; plus strand). Cytogenetic location: 14q32.33.
Variant type: single nucleotide variant.
Coding change: c.4428C>T on transcript NM_001112726.3 (MANE Select); coding-DNA position 4428, C replaced by T.
Protein change: p.Ala1476=; no amino-acid change (alanine 1476 retained).
Molecular consequence: synonymous variant.
Genome position (GRCh38, 1-based): chr14:104,894,721, C>T. VCF-style: chr14-104894721-C-T. GRCh37 (hg19) VCF-style: chr14-105361058-C-T.
Other names: c.4428C>T (NM_001112726.2); c.4323C>T, p.Ala1441= (NM_015005.3).
Identifiers: ClinVar variation 2644627 (VCV002644627.25), dbSNP rs117314899, ClinGen allele CA7376531.

ClinVar aggregate classification (germline): Likely benign. Review status: criteria provided, single submitter (1 of 4 stars). 2 submissions from 2 submitters: Likely benign (1). 1 of the submissions does not count toward it. Last evaluated 2023-03-01.

Conditions:
CEP170B-related disorder. Also called: CEP170B-related condition.

Allele frequency attached by ClinVar (database versions not stated): 1000 Genomes Project 0.00300; 1000 Genomes Project 30x 0.00344; TOPMed 0.00352; gnomAD 0.00384; ESP Exome Variant Server 0.00407; ExAC 0.00432; gnomAD exomes 0.00524.
gnomAD v4.1: 8,065 of 1,581,612 alleles (0.51%); highest among the groups gnomAD compares: Non-Finnish European, 0.61%; 27 homozygotes.

Submissions (2):

CeGaT Center for Human Genetics Tuebingen
Classification: Likely benign. Last evaluated: 2023-03-01. Review status: criteria provided, single submitter. Criteria: CeGaT Center For Human Genetics Tuebingen Variant Classification Criteria Version 2. Collection method: clinical testing. Allele origin: germline. Affected: yes. Observed: 1 variant allele.
Comment: CEP170B: BP4, BP7, BS2

PreventionGenetics, part of Exact Sciences
Classification: Likely benign for CEP170B-related condition. Last evaluated: 2019-03-11. Review status: no assertion criteria provided. Collection method: clinical testing. Allele origin: germline. Not counted in ClinVar's aggregate classification.
Comment: This variant is classified as likely benign based on ACMG/AMP sequence variant interpretation guidelines (Richards et al. 2015 PMID: 25741868, with internal and published modifications).